The following is an entry in ClinVar:

NM_016648.4(LARP7):c.1429G>A (p.Ala477Thr)

Gene: LARP7 (La ribonucleoprotein 7, transcriptional regulator; plus strand). Cytogenetic location: 4q25.
Variant type: single nucleotide variant.
Coding change: c.1429G>A on transcript NM_016648.4 (MANE Select); coding-DNA position 1429, G replaced by A.
Protein change: p.Ala477Thr; replaces alanine 477 with threonine.
Molecular consequence: missense variant.
Genome position (GRCh38, 1-based): chr4:112,653,089, G>A. VCF-style: chr4-112653089-G-A. GRCh37 (hg19) VCF-style: chr4-113574245-G-A.
Other names: c.1429G>A, p.Ala477Thr (NM_001267039.4, NM_001370978.1, NM_015454.3); c.1468G>A, p.Ala490Thr (NM_001370974.1, NM_001370975.1); c.1465G>A, p.Ala489Thr (NM_001370976.1, NM_001370977.1); c.1426G>A, p.Ala476Thr (NM_001370979.1, NM_001370980.1); c.1192G>A, p.Ala398Thr (NM_001370981.1, NM_001370982.1); short protein forms A398T, A476T, A477T, A489T, A490T.
Identifiers: ClinVar variation 2420219 (VCV002420219.6), dbSNP rs745664250, ClinGen allele CA3049706.

ClinVar aggregate classification (germline): Uncertain significance (1 of 4 stars; one submission).

Allele frequency attached by ClinVar (database versions not stated): gnomAD exomes below 0.00001; ExAC 0.00001.

Submission:

Labcorp Genetics (formerly Invitae), Labcorp
Classification: Uncertain significance. Last evaluated: 2022-03-25. Review status: criteria provided, single submitter. Criteria: Invitae Variant Classification Sherloc (09022015). Collection method: clinical testing. Allele origin: germline.
Comment: This sequence change replaces alanine, which is neutral and non-polar, with threonine, which is neutral and polar, at codon 477 of the LARP7 protein (p.Ala477Thr). In summary, the available evidence is currently insufficient to determine the role of this variant in disease. Therefore, it has been classified as a Variant of Uncertain Significance. Algorithms developed to predict the effect of missense changes on protein structure and function output the following: SIFT: "Tolerated"; PolyPhen-2: "Benign"; Align-GVGD: "Class C0". The threonine amino acid residue is found in multiple mammalian species, which suggests that this missense change does not adversely affect protein function. This variant has not been reported in the literature in individuals affected with LARP7-related conditions. The frequency data for this variant in the population databases is considered unreliable, as metrics indicate poor data quality at this position in the gnomAD database.